The following is an entry in ClinVar:

ClinVar aggregate classification (germline): Uncertain significance (1 of 4 stars; one submission).

Conditions:
Hereditary cancer-predisposing syndrome. Also called: Neoplastic Syndromes, Hereditary; Hereditary Cancer Syndrome; Tumor predisposition; Hereditary neoplastic syndrome. Identifiers: Orphanet 140162, MedGen C0027672, MeSH D009386, MONDO:0015356.

Submission:

Ambry Genetics
Classification: Uncertain significance for Hereditary cancer-predisposing syndrome. Last evaluated: 2024-12-31. Review status: criteria provided, single submitter. Criteria: Ambry Variant Classification Scheme 2023. Collection method: clinical testing. Allele origin: germline.
Comment: The p.T538K variant (also known as c.1613C>A), located in coding exon 8 of the RET gene, results from a C to A substitution at nucleotide position 1613. The threonine at codon 538 is replaced by lysine, an amino acid with similar properties. This amino acid position is conserved. In addition, the in silico prediction for this alteration is inconclusive. Based on the available evidence, the clinical significance of this variant remains unclear.

NM_020975.6(RET):c.1613C>A (p.Thr538Lys)

Gene: RET (ret proto-oncogene; plus strand). Cytogenetic location: 10q11.21.
Variant type: single nucleotide variant.
Coding change: c.1613C>A on transcript NM_020975.6 (MANE Select); coding-DNA position 1613, C replaced by A.
Protein change: p.Thr538Lys; replaces threonine 538 with lysine.
Molecular consequence: missense variant.
Genome position (GRCh38, 1-based): chr10:43,112,189, C>A. VCF-style: chr10-43112189-C-A. GRCh37 (hg19) VCF-style: chr10-43607637-C-A.
Other names: c.1613C>A, p.Thr538Lys (NM_001406765.1, NM_020630.7, NM_001406743.1 and 4 more transcripts); c.1325C>A, p.Thr442Lys (NM_001406766.1, NM_001406767.1, NM_001406770.1); c.1484C>A, p.Thr495Lys (NM_001406768.1, NM_001406761.1, NM_001406762.1 and 1 more transcripts); c.1217C>A, p.Thr406Lys (NM_001406769.1, NM_001406772.1); c.1175C>A, p.Thr392Lys (NM_001406771.1, NM_001406773.1); c.1088C>A, p.Thr363Lys (NM_001406774.1); c.887C>A, p.Thr296Lys (NM_001406775.1, NM_001406776.1, NM_001406777.1 and 1 more transcripts); c.716C>A, p.Thr239Lys (NM_001406779.1, NM_001406780.1, NM_001406781.1 and 3 more transcripts); and 5 more; short protein forms T55K, T284K, T392K, T495K, T538K, T143K, T196K, T208K.
Identifiers: ClinVar variation 3788318 (VCV003788318.1).